The following is an entry in ClinVar:

ClinVar aggregate classification (germline): Likely benign. Review status: criteria provided, multiple submitters, no conflicts (2 of 4 stars). 3 submissions from 3 submitters: Likely benign (2). 1 of the submissions does not count toward it. Last evaluated 2019-12-31.

Conditions:
LRPAP1-related disorder. Also called: LRPAP1-related condition.

Allele frequency attached by ClinVar (database versions not stated): 1000 Genomes Project 0.00080; 1000 Genomes Project 30x 0.00125; gnomAD 0.00265 and 0.00279; ESP Exome Variant Server 0.00292; TOPMed 0.00377.
gnomAD v4.1: 5,585 of 1,613,456 alleles (0.35%); highest among the groups gnomAD compares: Admixed American, 0.57%; 17 homozygotes.

Submissions (3):

Labcorp Genetics (formerly Invitae), Labcorp
Classification: Likely benign. Last evaluated: 2019-12-31. Review status: criteria provided, single submitter. Criteria: Invitae Variant Classification Sherloc (09022015). Collection method: clinical testing. Allele origin: germline.

Breakthrough Genomics
Classification: Likely benign. Review status: criteria provided, single submitter. Criteria: ACMG Guidelines, 2015. Collection method: not provided. Allele origin: germline. Inheritance: Autosomal recessive inheritance. Affected: yes.

PreventionGenetics, part of Exact Sciences
Classification: Likely benign for LRPAP1-related condition. Last evaluated: 2023-07-05. Review status: no assertion criteria provided. Collection method: clinical testing. Allele origin: germline. Not counted in ClinVar's aggregate classification.
Comment: This variant is classified as likely benign based on ACMG/AMP sequence variant interpretation guidelines (Richards et al. 2015 PMID: 25741868, with internal and published modifications).

NM_002337.4(LRPAP1):c.631G>A (p.Asp211Asn)

Gene: LRPAP1 (LDL receptor related protein associated protein 1; minus strand). Cytogenetic location: 4p16.3.
Variant type: single nucleotide variant.
Coding change: c.631G>A on transcript NM_002337.4 (MANE Select); coding-DNA position 631, G replaced by A.
Protein change: p.Asp211Asn; replaces aspartic acid 211 with asparagine.
Molecular consequence: missense variant. On other transcripts: non-coding transcript variant (1).
Genome position (GRCh38, 1-based): chr4:3,518,154, C>T on the plus strand (G>A on the coding strand, the complement: LRPAP1 is on the minus strand). VCF-style: chr4-3518154-C-T. GRCh37 (hg19) VCF-style: chr4-3519881-C-T.
Other names: short protein forms D211N.
Identifiers: ClinVar variation 770708 (VCV000770708.7), dbSNP rs111244551, ClinGen allele CA2829906.